The following is an entry in ClinVar:

ClinVar aggregate classification (germline): Likely benign. Review status: criteria provided, multiple submitters, no conflicts (2 of 4 stars). 2 submissions from 2 submitters: Likely benign (2). Last evaluated 2025-09-04.

Allele frequency attached by ClinVar (database versions not stated): TOPMed below 0.00001.
gnomAD v4.1: 5 of 1,526,692 alleles (0.00033%); highest among the groups gnomAD compares: South Asian, 0.0012%; no homozygotes.

Submissions (2):

Mayo Clinic Laboratories, Mayo Clinic
Classification: Likely benign. Last evaluated: 2025-09-04. Review status: criteria provided, single submitter. Criteria: ACMG Guidelines, 2015. Collection method: clinical testing. Allele origin: germline. Observed: 1 variant allele.
Comment: BP4, BP7

Labcorp Genetics (formerly Invitae), Labcorp
Classification: Likely benign. Last evaluated: 2023-12-28. Review status: criteria provided, single submitter. Criteria: Invitae Variant Classification Sherloc (09022015). Collection method: clinical testing. Allele origin: germline.

NM_139242.4(MTFMT):c.165G>C (p.Thr55=)

Gene: MTFMT (mitochondrial methionyl-tRNA formyltransferase; minus strand). Cytogenetic location: 15q22.31.
Variant type: single nucleotide variant.
Coding change: c.165G>C on transcript NM_139242.4 (MANE Select); coding-DNA position 165, G replaced by C.
Protein change: p.Thr55=; no amino-acid change (threonine 55 retained).
Molecular consequence: synonymous variant.
Genome position (GRCh38, 1-based): chr15:65,029,449, C>G on the plus strand (G>C on the coding strand, the complement: MTFMT is on the minus strand). VCF-style: chr15-65029449-C-G. GRCh37 (hg19) VCF-style: chr15-65321787-C-G.
Other names: p.Thr55=.
Identifiers: ClinVar variation 2959773 (VCV002959773.4), dbSNP rs1381858089, ClinGen allele CA490826933.